The following is an entry in ClinVar:

ClinVar aggregate classification (germline): Uncertain significance (1 of 4 stars; one submission).

Conditions:
Primary ciliary dyskinesia 23 (CILD23). Also called: CILIARY DYSKINESIA, PRIMARY, 23, WITH OR WITHOUT SITUS INVERSUS. Identifiers: Orphanet 244, MedGen C3809548, MONDO:0014193, OMIM 615451.

Allele frequency attached by ClinVar (database versions not stated): gnomAD exomes below 0.00001; ExAC 0.00001; gnomAD 0.00001; TOPMed 0.00005.
gnomAD v4.1: 4 of 1,614,034 alleles (0.00025%); highest among the groups gnomAD compares: African/African-American, 0.0053%; no homozygotes.

Submission:

Labcorp Genetics (formerly Invitae), Labcorp
Classification: Uncertain significance for Primary ciliary dyskinesia 23. Last evaluated: 2019-06-25. Review status: criteria provided, single submitter. Criteria: Invitae Variant Classification Sherloc (09022015). Collection method: clinical testing. Allele origin: germline.
Comment: This sequence change replaces serine with isoleucine at codon 617 of the ARMC4 protein (p.Ser617Ile). The serine residue is moderately conserved and there is a large physicochemical difference between serine and isoleucine. This variant is present in population databases (rs754364124, ExAC 0.01%) but has not been reported in the literature in individuals with a ARMC4-related disease. Algorithms developed to predict the effect of missense changes on protein structure and function do not agree on the potential impact of this missense change (SIFT: "Deleterious"; PolyPhen-2: "Probably Damaging"; Align-GVGD: "Class C0"). In summary, this variant is a rare missense change with uncertain impact on protein function. There is no indication that it causes disease, but the available evidence is currently insufficient to prove that conclusively. Therefore, it has been classified as a Variant of Uncertain Significance.

NM_018076.5(ODAD2):c.1850G>T (p.Ser617Ile)

Gene: ODAD2 (outer dynein arm docking complex subunit 2; minus strand). Cytogenetic location: 10p12.1.
Variant type: single nucleotide variant.
Coding change: c.1850G>T on transcript NM_018076.5 (MANE Select); coding-DNA position 1850, G replaced by T.
Protein change: p.Ser617Ile; replaces serine 617 with isoleucine.
Molecular consequence: missense variant.
Genome position (GRCh38, 1-based): chr10:27,940,699, C>A on the plus strand (G>T on the coding strand, the complement: ODAD2 is on the minus strand). VCF-style: chr10-27940699-C-A. GRCh37 (hg19) VCF-style: chr10-28229628-C-A.
Other names: c.1850G>T, p.Ser617Ile (NM_001290020.2); c.425G>T, p.Ser142Ile (NM_001290021.2); c.926G>T, p.Ser309Ile (NM_001312689.2); short protein forms S617I, S142I, S309I.
Identifiers: ClinVar variation 412250 (VCV000412250.10), dbSNP rs754364124, ClinGen allele CA5453381.